The following is an entry in ClinVar:

ClinVar aggregate classification (germline): Uncertain significance (1 of 4 stars; one submission).

Conditions:
Peroxisome biogenesis disorder 12A (Zellweger). Also called: Peroxisome biogenesis disorder 12A. Identifiers: Orphanet 912, MedGen C3554002, MONDO:0013951, OMIM 614886.

Allele frequency attached by ClinVar (database versions not stated): ExAC 0.00001; gnomAD 0.00001; gnomAD exomes 0.00001; TOPMed 0.00002.
gnomAD v4.1: 12 of 1,614,014 alleles (0.00074%); highest among the groups gnomAD compares: Middle Eastern, 0.049%; no homozygotes.

Submission:

Labcorp Genetics (formerly Invitae), Labcorp
Classification: Uncertain significance for Peroxisome biogenesis disorder 12A (Zellweger). Last evaluated: 2022-08-21. Review status: criteria provided, single submitter. Criteria: Invitae Variant Classification Sherloc (09022015). Collection method: clinical testing. Allele origin: germline.
Comment: This sequence change replaces serine, which is neutral and polar, with alanine, which is neutral and non-polar, at codon 40 of the PEX19 protein (p.Ser40Ala). This variant is present in population databases (rs201995040, gnomAD 0.004%). This variant has not been reported in the literature in individuals affected with PEX19-related conditions. Algorithms developed to predict the effect of missense changes on protein structure and function (SIFT, PolyPhen-2, Align-GVGD) all suggest that this variant is likely to be tolerated. In summary, the available evidence is currently insufficient to determine the role of this variant in disease. Therefore, it has been classified as a Variant of Uncertain Significance.

NM_002857.4(PEX19):c.118T>G (p.Ser40Ala)

Gene: PEX19 (peroxisomal biogenesis factor 19; minus strand). Cytogenetic location: 1q23.2.
Variant type: single nucleotide variant.
Coding change: c.118T>G on transcript NM_002857.4 (MANE Select); coding-DNA position 118, T replaced by G.
Protein change: p.Ser40Ala; replaces serine 40 with alanine.
Molecular consequence: missense variant. On other transcripts: non-coding transcript variant (1).
Genome position (GRCh38, 1-based): chr1:160,283,592, A>C on the plus strand (T>G on the coding strand, the complement: PEX19 is on the minus strand). VCF-style: chr1-160283592-A-C. GRCh37 (hg19) VCF-style: chr1-160253382-A-C.
Other names: c.118T>G, p.Ser40Ala (NM_001193644.1); short protein forms S40A.
Identifiers: ClinVar variation 2085424 (VCV002085424.1), dbSNP rs201995040, ClinGen allele CA1197469.